The following is an entry in ClinVar:

ClinVar aggregate classification (germline): Uncertain significance (1 of 4 stars; one submission).

Conditions:
Neuroblastoma, susceptibility to, 3. Also called: ALK-Related Neuroblastic Tumor Susceptibility. Identifiers: Orphanet 635, MedGen C2751681, MONDO:0013083, OMIM 613014.

Submission:

Labcorp Genetics (formerly Invitae), Labcorp
Classification: Uncertain significance for Neuroblastoma, susceptibility to, 3. Last evaluated: 2025-10-09. Review status: criteria provided, single submitter. Criteria: Invitae Variant Classification Sherloc (09022015). Collection method: clinical testing. Allele origin: germline.
Comment: This sequence change creates a premature translational stop signal (p.Gly1474Aspfs*3) in the ALK gene. While this is not anticipated to result in nonsense mediated decay, it is expected to disrupt the last 147 amino acid(s) of the ALK protein. This variant is not present in population databases (gnomAD no frequency). This variant has not been reported in the literature in individuals affected with ALK-related conditions. Experimental studies and prediction algorithms are not available or were not evaluated, and the functional significance of this variant is currently unknown. In summary, the available evidence is currently insufficient to determine the role of this variant in disease. Therefore, it has been classified as a Variant of Uncertain Significance.

NM_004304.5(ALK):c.4421del (p.Gly1474fs)

Gene: ALK (ALK receptor tyrosine kinase; minus strand). Cytogenetic location: 2p23.2.
Variant type: Deletion.
Coding change: c.4421del on transcript NM_004304.5 (MANE Select); coding-DNA position 4421, one base deleted (G; older notation c.4421delG).
Protein change: p.Gly1474fs; shifts the reading frame from glycine 1474.
Molecular consequence: frameshift variant.
Genome position (GRCh38, 1-based): chr2:29,193,666, C deleted on the plus strand (G on the coding strand, the reverse complement: ALK is on the minus strand); the first of 5 consecutive C bases (chr2:29,193,666-29,193,670); deleting any one gives the same sequence. VCF-style (leftmost placement, unchanged base first): chr2-29193665-TC-T. GRCh37 (hg19) VCF-style: chr2-29416531-TC-T.
Other names: c.1217del, p.Gly406fs (NM_001353765.2); short protein forms G406fs, G1474fs.
Identifiers: ClinVar variation 4764947 (VCV004764947.1).